The following is an entry in ClinVar:

ClinVar aggregate classification (germline): Uncertain significance (1 of 4 stars; one submission).

Allele frequency attached by ClinVar (database versions not stated): gnomAD exomes 0.00002; ExAC 0.00003; ESP Exome Variant Server 0.00008; gnomAD 0.00021; TOPMed 0.00032.
gnomAD v4.1: 72 of 1,613,396 alleles (0.0045%); highest among the groups gnomAD compares: Admixed American, 0.077%; no homozygotes.

Submission:

Labcorp Genetics (formerly Invitae), Labcorp
Classification: Uncertain significance. Last evaluated: 2023-01-19. Review status: criteria provided, single submitter. Criteria: Invitae Variant Classification Sherloc (09022015). Collection method: clinical testing. Allele origin: germline.
Comment: Algorithms developed to predict the effect of missense changes on protein structure and function are either unavailable or do not agree on the potential impact of this missense change (SIFT: "Deleterious"; PolyPhen-2: "Benign"; Align-GVGD: "Class C0"). In summary, the available evidence is currently insufficient to determine the role of this variant in disease. Therefore, it has been classified as a Variant of Uncertain Significance. This variant has not been reported in the literature in individuals affected with SLC19A1-related conditions. This variant is present in population databases (rs376071998, gnomAD 0.06%), and has an allele count higher than expected for a pathogenic variant. This sequence change replaces alanine, which is neutral and non-polar, with threonine, which is neutral and polar, at codon 551 of the SLC19A1 protein (p.Ala551Thr).

NM_194255.4(SLC19A1):c.1651G>A (p.Ala551Thr)

Gene: SLC19A1 (solute carrier family 19 member 1; minus strand). Cytogenetic location: 21q22.3.
Variant type: single nucleotide variant.
Coding change: c.1651G>A on transcript NM_194255.4 (MANE Select); coding-DNA position 1651, G replaced by A.
Protein change: p.Ala551Thr; replaces alanine 551 with threonine.
Molecular consequence: missense variant. On other transcripts: intron variant (2).
Genome position (GRCh38, 1-based): chr21:45,515,783, C>T on the plus strand (G>A on the coding strand, the complement: SLC19A1 is on the minus strand). VCF-style: chr21-45515783-C-T. GRCh37 (hg19) VCF-style: chr21-46935697-C-T.
Other names: c.1294-631G>A (NM_001352511.3, NM_001205206.4); c.1531G>A, p.Ala511Thr (NM_001205207.3); c.1297G>A, p.Ala433Thr (NM_001352510.2); c.1651G>A, p.Ala551Thr (NM_001352512.2); short protein forms A433T, A511T, A551T.
Identifiers: ClinVar variation 2964792 (VCV002964792.3), dbSNP rs376071998, ClinGen allele CA10068234.
Genomic context (GRCh38, chr21:45,515,783, plus strand): 5'-GAGGATGGACAGCCAGCTGGGGACAAGTCTCATCTGCAGCCTCAGGGCCTGAGGCTTGGG[C>T]GGAGCACAGAGTGCAGGGGGAAGGGGTTGTCACTGGGCTCAGGAATTCAGCTGCCTGCGG-3'
Protein context (NP_919231.1, residues 541-561): TTPSPCTLCS[Ala551Thr]QASGPEAADE